The following is an entry in ClinVar:

ClinVar aggregate classification (germline): Conflicting classifications of pathogenicity. Review status: criteria provided, conflicting classifications (1 of 4 stars). 4 submissions from 4 submitters: Uncertain significance (1); Likely benign (2). 1 of the submissions does not count toward it. Last evaluated 2026-01-19.

Conditions:
KCNE1-related disorder. Also called: KCNE1-related condition.
Cardiovascular phenotype. Identifiers: MedGen CN230736.
Long QT syndrome (LQTS). Identifiers: MedGen C0023976, MeSH D008133, MONDO:0002442. Disease mechanism: loss of function. Inheritance: Various modes of inheritance.

Allele frequency attached by ClinVar (database versions not stated): gnomAD exomes 0.00018; ExAC 0.00023.

Submissions (5):

Labcorp Genetics (formerly Invitae), Labcorp
Classification: Likely benign for Long QT syndrome. Last evaluated: 2026-01-19. Review status: criteria provided, single submitter. Criteria: Invitae Variant Classification Sherloc (09022015). Collection method: clinical testing. Allele origin: germline.

Revvity Omics, Revvity
Classification: Uncertain significance. Last evaluated: 2020-12-01. Review status: criteria provided, single submitter. Criteria: ACMG Guidelines, 2015. Collection method: clinical testing. Allele origin: germline.

Ambry Genetics
Classification: Likely benign for Cardiovascular phenotype. Last evaluated: 2019-05-28. Review status: criteria provided, single submitter. Criteria: Ambry Variant Classification Scheme 2023. Collection method: clinical testing. Allele origin: germline.

PreventionGenetics, part of Exact Sciences
Classification: Likely benign for KCNE1-related condition. Last evaluated: 2023-02-16. Review status: no assertion criteria provided. Collection method: clinical testing. Allele origin: germline. Not counted in ClinVar's aggregate classification.
Comment: This variant is classified as likely benign based on ACMG/AMP sequence variant interpretation guidelines (Richards et al. 2015 PMID: 25741868, with internal and published modifications).

Roden Lab, Vanderbilt University Medical Center
No classification provided (evidence only). Condition: Long QT syndrome 5. Review status: no classification provided. Collection method: in vitro. Allele origin: not applicable. Functional consequence: Effect on ion channel function. Not counted in ClinVar's aggregate classification.
ClinVar note: "not provided" was previously submitted as the classification for the variant. However, the classification appeared to be based only on an observation of functional data so it was converted to no classification on 2025-07-30.

NM_000219.6(KCNE1):c.118G>A (p.Gly40Ser)

Gene: KCNE1 (potassium voltage-gated channel subfamily E regulatory subunit 1; minus strand). Cytogenetic location: 21q22.12.
Variant type: single nucleotide variant.
Coding change: c.118G>A on transcript NM_000219.6 (MANE Select); coding-DNA position 118, G replaced by A.
Protein change: p.Gly40Ser; replaces glycine 40 with serine.
Molecular consequence: missense variant.
Genome position (GRCh38, 1-based): chr21:34,449,517, C>T on the plus strand (G>A on the coding strand, the complement: KCNE1 is on the minus strand). VCF-style: chr21-34449517-C-T. GRCh37 (hg19) VCF-style: chr21-35821815-C-T.
Other names: c.118G>A, p.Gly40Ser (NM_001127668.4, NM_001127669.4, NM_001127670.4 and 4 more transcripts); c.118G>A (NM_000219.4); short protein forms G40S.
Identifiers: ClinVar variation 527042 (VCV000527042.19), dbSNP rs778439872, ClinGen allele CA320425458.